The following is an entry in ClinVar:

ClinVar aggregate classification (germline): Conflicting classifications of pathogenicity. Review status: criteria provided, conflicting classifications (1 of 4 stars). 2 submissions from 2 submitters: Uncertain significance (1); Likely benign (1). Last evaluated 2023-03-23.

Conditions:
Hereditary cancer-predisposing syndrome. Also called: Hereditary neoplastic syndrome; Neoplastic Syndromes, Hereditary; Tumor predisposition; Hereditary Cancer Syndrome. Identifiers: Orphanet 140162, MedGen C0027672, MeSH D009386, MONDO:0015356.

Submissions (2):

University of Washington Department of Laboratory Medicine, University of Washington
Classification: Likely benign for Hereditary cancer-predisposing syndrome. Last evaluated: 2023-03-23. Review status: criteria provided, single submitter. Criteria: Dines et al. (Genet Med. 2020). Collection method: curation. Allele origin: germline.
Comment: Missense variant in a coldspot region where missense variants are very unlikely to be pathogenic (PMID:31911673).

BRCA2 exon 11 coldspot. Reclassification based on statistical prior probability.

GeneDx
Classification: Uncertain significance. Last evaluated: 2016-08-01. Review status: criteria provided, single submitter. Criteria: GeneDx Variant Classification (06012015). Collection method: clinical testing. Allele origin: germline. Affected: yes.
Comment: This variant is denoted BRCA2 c.5914G>C at the cDNA level, p.Ala1972Pro (A1972P) at the protein level, and results in the change of an Alanine to a Proline (GCA>CCA). Using alternate nomenclature, this variant would be defined as BRCA2 6142G>C. This variant has not, to our knowledge, been published in the literature as pathogenic or benign. BRCA2 Ala1972Pro was not observed in approximately 6,500 individuals of European and African American ancestry in the NHLBI Exome Sequencing Project, suggesting it is not a common benign variant in these populations. Since Alanine and Proline differ in some properties, this is considered a semi-conservative amino acid substitution. BRCA2 Ala1972Pro occurs at a position that is not conserved and is located in the RAD51 binding domain (Roy 2012). In silico analyses are inconsistent regarding the effect this variant may have on protein structure and function. Based on currently available evidence, it is unclear whether BRCA2 Ala1972Pro is a pathogenic or benign variant. We consider it to be a variant of uncertain significance.

NM_000059.4(BRCA2):c.5914G>C (p.Ala1972Pro)

Gene: BRCA2 (BRCA2 DNA repair associated; plus strand). Cytogenetic location: 13q13.1.
Variant type: single nucleotide variant.
Coding change: c.5914G>C on transcript NM_000059.4 (MANE Select); coding-DNA position 5914, G replaced by C.
Protein change: p.Ala1972Pro; replaces alanine 1972 with proline.
Molecular consequence: missense variant.
Genome position (GRCh38, 1-based): chr13:32,340,269, G>C. VCF-style: chr13-32340269-G-C. GRCh37 (hg19) VCF-style: chr13-32914406-G-C.
Other names: short protein forms A1972P.
Identifiers: ClinVar variation 421856 (VCV000421856.4), dbSNP rs1064795405, ClinGen allele CA16619733.
Genomic context (GRCh38, chr13:32,340,269, plus strand): 5'-TTGGAAACTTCAGATATATGTAAATGTAGTATAGGGAAGCTTCATAAGTCAGTCTCATCT[G>C]CAAATACTTGTGGGATTTTTAGCACAGCAAGTGGAAAATCTGTCCAGGTATCAGATGCTT-3'
Protein context (NP_000050.3, residues 1962-1982): IGKLHKSVSS[Ala1972Pro]NTCGIFSTAS